The following is an entry in ClinVar:

ClinVar aggregate classification (germline): Uncertain significance (1 of 4 stars; one submission).

Submission:

Labcorp Genetics (formerly Invitae), Labcorp
Classification: Uncertain significance. Last evaluated: 2022-05-18. Review status: criteria provided, single submitter. Criteria: Invitae Variant Classification Sherloc (09022015). Collection method: clinical testing. Allele origin: germline.
Comment: In summary, the available evidence is currently insufficient to determine the role of this variant in disease. Therefore, it has been classified as a Variant of Uncertain Significance. Algorithms developed to predict the effect of sequence changes on RNA splicing suggest that this variant may disrupt the consensus splice site. This variant has not been reported in the literature in individuals affected with TTC37-related conditions. This variant is not present in population databases (gnomAD no frequency). This variant, c.2218_2229del, results in the deletion of 4 amino acid(s) of the TTC37 protein (p.Val742_Gly745del), but otherwise preserves the integrity of the reading frame.

NM_014639.4(SKIC3):c.2218_2229del (p.Val742_Gly745del)

Gene: SKIC3 (SKI3 subunit of superkiller complex; minus strand). Cytogenetic location: 5q15.
Variant type: Deletion.
Coding change: c.2218_2229del on transcript NM_014639.4 (MANE Select); coding-DNA positions 2218 to 2229, 12 bases deleted (TTAGGAGTCCTT).
Protein change: p.Val742_Gly745del.
Molecular consequence: inframe deletion.
Genome position (GRCh38, 1-based): chr5:95,517,208-95,517,219, AAGGACTCCTAA deleted on the plus strand (TTAGGAGTCCTT on the coding strand, the reverse complement: SKIC3 is on the minus strand); deleting any 12 consecutive bases within chr5:95,517,208-95,517,221 gives the same sequence; the c. name uses the placement nearest the transcript's 3' end. VCF-style (leftmost placement, unchanged base first): chr5-95517207-GAAGGACTCCTAA-G. GRCh37 (hg19) VCF-style: chr5-94852911-GAAGGACTCCTAA-G.
Identifiers: ClinVar variation 2113211 (VCV002113211.4), dbSNP rs2530755559, ClinGen allele CA2580073799.